The following is an entry in ClinVar:

NM_006231.4(POLE):c.5542C>G (p.Leu1848Val)

Gene: POLE (DNA polymerase epsilon, catalytic subunit; minus strand). Cytogenetic location: 12q24.33.
Variant type: single nucleotide variant.
Coding change: c.5542C>G on transcript NM_006231.4 (MANE Select); coding-DNA position 5542, C replaced by G.
Protein change: p.Leu1848Val; replaces leucine 1848 with valine.
Molecular consequence: missense variant.
Genome position (GRCh38, 1-based): chr12:132,639,135, G>C on the plus strand (C>G on the coding strand, the complement: POLE is on the minus strand). VCF-style: chr12-132639135-G-C. GRCh37 (hg19) VCF-style: chr12-133215721-G-C.
Other names: short protein forms L1848V.
Identifiers: ClinVar variation 2962465 (VCV002962465.2), dbSNP rs201001790, ClinGen allele CA387374545.

ClinVar aggregate classification (germline): Uncertain significance (1 of 4 stars; one submission).

Submission:

Labcorp Genetics (formerly Invitae), Labcorp
Classification: Uncertain significance. Last evaluated: 2023-10-09. Review status: criteria provided, single submitter. Criteria: Invitae Variant Classification Sherloc (09022015). Collection method: clinical testing. Allele origin: germline.
Comment: This sequence change replaces leucine, which is neutral and non-polar, with valine, which is neutral and non-polar, at codon 1848 of the POLE protein (p.Leu1848Val). This variant is present in population databases (no rsID available, gnomAD 0.007%). This variant has not been reported in the literature in individuals affected with POLE-related conditions. Advanced modeling of protein sequence and biophysical properties (such as structural, functional, and spatial information, amino acid conservation, physicochemical variation, residue mobility, and thermodynamic stability) performed at Invitae indicates that this missense variant is not expected to disrupt POLE protein function. In summary, the available evidence is currently insufficient to determine the role of this variant in disease. Therefore, it has been classified as a Variant of Uncertain Significance.